The following is an entry in ClinVar:

NM_052874.5(STX1B):c.106-2A>G

Gene: STX1B (syntaxin 1B; minus strand). Cytogenetic location: 16p11.2.
Variant type: single nucleotide variant.
Coding change: c.106-2A>G on transcript NM_052874.5 (MANE Select); the canonical splice acceptor site of the intron before coding-DNA position 106, A replaced by G.
Molecular consequence: splice acceptor variant.
Genome position (GRCh38, 1-based): chr16:31,001,195, T>C on the plus strand (A>G on the coding strand, the complement: STX1B is on the minus strand). VCF-style: chr16-31001195-T-C. GRCh37 (hg19) VCF-style: chr16-31012516-T-C.
Identifiers: ClinVar variation 589874 (VCV000589874.5), dbSNP rs1567379470, ClinGen allele CA395651800.
Genomic context (GRCh38, chr16:31,001,195, plus strand): 5'-TTTTTCACCTGCTCCACATCCTCCGACAGTTTCTCAATGCAGCCCCGGATCTCTTCCACC[T>C]GGAGCAGAAAATCGGCTATACCCAGCCAAGCTGTCAGGCCAAACAACGGGTTCCAGGGGA-3'

ClinVar aggregate classification (germline): Likely pathogenic (1 of 4 stars; one submission).

Conditions:
Inborn genetic diseases. Identifiers: MedGen C0950123, MeSH D030342.

Submission:

Ambry Genetics
Classification: Likely pathogenic for Inborn genetic diseases. Last evaluated: 2016-07-28. Review status: criteria provided, single submitter. Criteria: Ambry Variant Classification Scheme 2023. Collection method: clinical testing. Allele origin: germline.
Comment: The c.106-2A>G intronic variant results from an A to G substitution two nucleotides upstream from coding exon 3 in the STX1B gene. This variant was not reported in population based cohorts in the following databases: Database of Single Nucleotide Polymorphisms (dbSNP), NHLBI Exome Sequencing Project (ESP), and 1000 Genomes Project. In the ESP, this variant was not observed in 6497 samples (12994 alleles) with coverage at this position. This nucleotide position is highly conserved in available vertebrate species. Using the BDGP and ESEfinder splice site prediction tools, this alteration is predicted to abolish the native splice acceptor site; however, direct evidence is unavailable. Alterations that disrupt the canonical splice site are expected to cause aberrant splicing, resulting in an abnormal protein or a transcript that is subject to nonsense-mediated mRNA decay. As such, this alteration is classified as likely pathogenic.